The following is an entry in ClinVar:

NM_001367561.1(DOCK7):c.5406T>G (p.Ile1802Met)

Gene: DOCK7 (dedicator of cytokinesis 7; minus strand). Cytogenetic location: 1p31.3.
Variant type: single nucleotide variant.
Coding change: c.5406T>G on transcript NM_001367561.1 (MANE Select); coding-DNA position 5406, T replaced by G.
Protein change: p.Ile1802Met; replaces isoleucine 1802 with methionine.
Molecular consequence: missense variant.
Genome position (GRCh38, 1-based): chr1:62,489,021, A>C on the plus strand (T>G on the coding strand, the complement: DOCK7 is on the minus strand). VCF-style: chr1-62489021-A-C. GRCh37 (hg19) VCF-style: chr1-62954692-A-C.
Other names: c.5379T>G, p.Ile1793Met (NM_001271999.2, NM_001330614.2); c.5286T>G, p.Ile1762Met (NM_001272000.2, NM_001272001.2); c.5313T>G, p.Ile1771Met (NM_033407.4); short protein forms I1771M, I1802M, I1762M, I1793M.
Identifiers: ClinVar variation 661470 (VCV000661470.9), dbSNP rs1571266733, ClinGen allele CA340609105.

ClinVar aggregate classification (germline): Uncertain significance (1 of 4 stars; one submission).

Conditions:
Developmental and epileptic encephalopathy, 23 (DEE23). Also called: Epileptic encephalopathy, early infantile, 23. Identifiers: Orphanet 411986, MedGen C4014492, MONDO:0014371, OMIM 615859.

Submission:

Labcorp Genetics (formerly Invitae), Labcorp
Classification: Uncertain significance for Developmental and epileptic encephalopathy, 23. Last evaluated: 2020-03-18. Review status: criteria provided, single submitter. Criteria: Invitae Variant Classification Sherloc (09022015). Collection method: clinical testing. Allele origin: germline.
Comment: This sequence change replaces isoleucine with methionine at codon 1793 of the DOCK7 protein (p.Ile1793Met). The isoleucine residue is highly conserved and there is a small physicochemical difference between isoleucine and methionine. This variant is not present in population databases (ExAC no frequency). This variant has not been reported in the literature in individuals with DOCK7-related disease. Algorithms developed to predict the effect of missense changes on protein structure and function are either unavailable or do not agree on the potential impact of this missense change (SIFT: "Deleterious"; PolyPhen-2: "Benign"; Align-GVGD: "Class C0"). In summary, the available evidence is currently insufficient to determine the role of this variant in disease. Therefore, it has been classified as a Variant of Uncertain Significance.